The following is an entry in ClinVar:

NM_002491.3(NDUFB3):c.103A>C (p.Lys35Gln)

Gene: NDUFB3 (NADH:ubiquinone oxidoreductase subunit B3; plus strand). Cytogenetic location: 2q33.1.
Variant type: single nucleotide variant.
Coding change: c.103A>C on transcript NM_002491.3 (MANE Select); coding-DNA position 103, A replaced by C.
Protein change: p.Lys35Gln; replaces lysine 35 with glutamine.
Molecular consequence: missense variant.
Genome position (GRCh38, 1-based): chr2:201,078,985, A>C. VCF-style: chr2-201078985-A-C. GRCh37 (hg19) VCF-style: chr2-201943708-A-C.
Other names: c.103A>C, p.Lys35Gln (NM_001257102.2); short protein forms K35Q.
Identifiers: ClinVar variation 2192614 (VCV002192614.4), dbSNP rs768388896, ClinGen allele CA2052288.

ClinVar aggregate classification (germline): Uncertain significance (1 of 4 stars; one submission).

Allele frequency attached by ClinVar (database versions not stated): gnomAD exomes 0.00005; ExAC 0.00006.
gnomAD v4.1: 71 of 1,613,262 alleles (0.0044%); highest among the groups gnomAD compares: Non-Finnish European, 0.0057%; no homozygotes.

Submission:

Labcorp Genetics (formerly Invitae), Labcorp
Classification: Uncertain significance. Last evaluated: 2021-12-23. Review status: criteria provided, single submitter. Criteria: Invitae Variant Classification Sherloc (09022015). Collection method: clinical testing. Allele origin: germline.
Comment: This sequence change replaces lysine, which is basic and polar, with glutamine, which is neutral and polar, at codon 35 of the NDUFB3 protein (p.Lys35Gln). This variant is present in population databases (rs768388896, gnomAD 0.01%). This variant has not been reported in the literature in individuals affected with NDUFB3-related conditions. Algorithms developed to predict the effect of missense changes on protein structure and function are either unavailable or do not agree on the potential impact of this missense change (SIFT: "Tolerated"; PolyPhen-2: "Possibly Damaging"; Align-GVGD: "Class C0"). In summary, the available evidence is currently insufficient to determine the role of this variant in disease. Therefore, it has been classified as a Variant of Uncertain Significance.